The following is an entry in ClinVar:

NM_005726.6(TSFM):c.644C>T (p.Ser215Phe)

Gene: TSFM (Ts translation elongation factor, mitochondrial; plus strand). Cytogenetic location: 12q14.1.
Variant type: single nucleotide variant.
Coding change: c.644C>T on transcript NM_005726.6 (MANE Select); coding-DNA position 644, C replaced by T.
Protein change: p.Ser215Phe; replaces serine 215 with phenylalanine.
Molecular consequence: missense variant. On other transcripts: 3 prime UTR variant (1), intron variant (1).
Genome position (GRCh38, 1-based): chr12:57,796,249, C>T. VCF-style: chr12-57796249-C-T. GRCh37 (hg19) VCF-style: chr12-58190032-C-T.
Other names: c.*52C>T (NM_001172695.2); c.707C>T, p.Ser236Phe (NM_001172696.2); c.571+3176C>T (NM_001172697.2); short protein forms S236F, S215F.
Identifiers: ClinVar variation 418526 (VCV000418526.15), dbSNP rs376562033, ClinGen allele CA6659423.

ClinVar aggregate classification (germline): Conflicting classifications of pathogenicity. Review status: criteria provided, conflicting classifications (1 of 4 stars). 8 submissions from 8 submitters: Uncertain significance (5); Likely benign (1). 2 of the submissions do not count toward it. Last evaluated 2025-04-23.

Conditions:
Inborn genetic diseases. Identifiers: MedGen C0950123, MeSH D030342.
Nephrotic syndrome, type 21. Identifiers: MedGen C5231498, MONDO:0032826, OMIM 618594.
Fatal mitochondrial disease due to combined oxidative phosphorylation defect type 3. Also called: ENCEPHALOMYOPATHY, RESPIRATORY FAILURE, AND LACTIC ACIDOSIS; Combined oxidative phosphorylation deficiency 3. Identifiers: Orphanet 168566, MedGen C1864840, MONDO:0012512, OMIM 610505.

Allele frequency attached by ClinVar (database versions not stated): TOPMed 0.00010; gnomAD 0.00011; ESP Exome Variant Server 0.00008.
gnomAD v4.1: 254 of 1,613,290 alleles (0.016%); highest among the groups gnomAD compares: South Asian, 0.038%; no homozygotes.

Submissions (8):

GeneDx
Classification: Uncertain significance. Last evaluated: 2025-04-23. Review status: criteria provided, single submitter. Criteria: GeneDx Variant Classification Process June 2021. Collection method: clinical testing. Allele origin: germline. Affected: yes.
Comment: Has not been previously published as pathogenic or benign to our knowledge; In silico analysis supports that this missense variant has a deleterious effect on protein structure/function; This variant is associated with the following publications: (PMID: 31589614)

3billion
Classification: Likely benign for Fatal mitochondrial disease due to combined oxidative phosphorylation defect type 3; Nephrotic syndrome, type 21. Last evaluated: 2024-09-20. Review status: criteria provided, single submitter. Criteria: ACMG Guidelines, 2015. Collection method: clinical testing. Allele origin: germline. Affected: no.
Comment: The homozygous variant was found in patients diagnosed with another variant in a different gene, with no symptoms related to the gene containing the homozygous variant.

Labcorp Genetics (formerly Invitae), Labcorp
Classification: Uncertain significance. Last evaluated: 2022-10-13. Review status: criteria provided, single submitter. Criteria: Invitae Variant Classification Sherloc (09022015). Collection method: clinical testing. Allele origin: germline.
Comment: This sequence change replaces serine, which is neutral and polar, with phenylalanine, which is neutral and non-polar, at codon 236 of the TSFM protein (p.Ser236Phe). This variant is present in population databases (rs376562033, gnomAD 0.04%). This variant has not been reported in the literature in individuals affected with TSFM-related conditions. ClinVar contains an entry for this variant (Variation ID: 418526). Advanced modeling of protein sequence and biophysical properties (such as structural, functional, and spatial information, amino acid conservation, physicochemical variation, residue mobility, and thermodynamic stability) performed at Invitae indicates that this missense variant is not expected to disrupt TSFM protein function. In summary, the available evidence is currently insufficient to determine the role of this variant in disease. Therefore, it has been classified as a Variant of Uncertain Significance.

Fulgent Genetics
Classification: Uncertain significance for Fatal mitochondrial disease due to combined oxidative phosphorylation defect type 3. Last evaluated: 2022-02-25. Review status: criteria provided, single submitter. Criteria: ACMG Guidelines, 2015. Collection method: clinical testing. Allele origin: unknown.

Ambry Genetics
Classification: Uncertain significance for Inborn genetic diseases. Last evaluated: 2022-01-12. Review status: criteria provided, single submitter. Criteria: Ambry Variant Classification Scheme 2023. Collection method: clinical testing. Allele origin: germline.

Illumina Laboratory Services, Illumina
Classification: Uncertain significance for Fatal mitochondrial disease due to combined oxidative phosphorylation defect type 3. Last evaluated: 2018-01-13. Review status: criteria provided, single submitter. Criteria: ICSL Variant Classification Criteria 13 December 2019. Collection method: clinical testing. Allele origin: germline.

Natera, Inc.
Classification: Uncertain significance for Combined oxidative phosphorylation deficiency 3. Last evaluated: 2020-01-06. Review status: no assertion criteria provided. Collection method: clinical testing. Allele origin: germline. Not counted in ClinVar's aggregate classification.

Hong-Tao Li Lab, Institute of Brain Science and Brain-inspired Research, Shandong First Medical University & Shandong Academy of Medical Sciences China
Classification: Uncertain significance for Fatal mitochondrial disease due to combined oxidative phosphorylation defect type 3. Review status: no assertion criteria provided. Collection method: research. Allele origin: germline. Inheritance: Autosomal recessive inheritance. Affected: yes. Observed: 1 variant allele, 1 homozygote. Not counted in ClinVar's aggregate classification.
Comment: Observed in affected individuals from a Pakistani neurodevelopmental-disorder research cohort of 263 individuals. Classification assigned using the ACMG/AMP framework. Population-frequency evidence: gnomAD AF 0.0001352.